The following is an entry in ClinVar:

NM_002755.4(MAP2K1):c.1177G>A (p.Val393Ile)

Genes: MAP2K1 (mitogen-activated protein kinase kinase 1; plus strand), SNAPC5 (small nuclear RNA activating complex polypeptide 5; minus strand). Cytogenetic location: 15q22.31.
Variant type: single nucleotide variant.
Coding change: c.1177G>A on transcript NM_002755.4 (MANE Select); coding-DNA position 1177, G replaced by A.
Protein change: p.Val393Ile; replaces valine 393 with isoleucine.
Molecular consequence: missense variant. On other transcripts: 3 prime UTR variant (1), non-coding transcript variant (1).
Genome position (GRCh38, 1-based): chr15:66,490,610, G>A. VCF-style: chr15-66490610-G-A. GRCh37 (hg19) VCF-style: chr15-66782948-G-A.
Other names: c.*129C>T (NM_006049.4); c.1033G>A, p.Val345Ile (NM_001411065.1); short protein forms V393I, V345I.
Identifiers: ClinVar variation 1214837 (VCV001214837.10), dbSNP rs200442489, ClinGen allele CA7624175.
Genomic context (GRCh38, chr15:66,490,610, plus strand): 5'-GGTTGGCTCTGCTCCACCATCGGCCTTAACCAGCCCAGCACACCAACCCATGCTGCTGGC[G>A]TCTAAGTGTTTGGGAAGCAACAAAGAGCGAGTCCCCTGCCCGGTGGTTTGCCATGTCGCT-3'
Protein context (NP_002746.1, residues 383-393): QPSTPTHAAG[Val393Ile]

ClinVar aggregate classification (germline): Conflicting classifications of pathogenicity. Review status: criteria provided, conflicting classifications (1 of 4 stars). 3 submissions from 3 submitters: Uncertain significance (2); Likely benign (1). Last evaluated 2025-10-16.

Conditions:
Cardiofaciocutaneous syndrome 3 (CFC3). Also called: MAP2K1-Related Cardiofaciocutaneous Syndrome. Identifiers: Orphanet 1340, MedGen C3809006, MONDO:0014113, OMIM 615279.
Melorheostosis (MEL). Also called: MELORHEOSTOSIS, ISOLATED. Identifiers: Orphanet 2485, MedGen C3149631, MONDO:0007970, OMIM 155950, HP:6000817.
RASopathy. Also called: rasopathies; Noonan spectrum disorder. Identifiers: Orphanet 536391, MedGen C5555857, MONDO:0021060.

Allele frequency attached by ClinVar (database versions not stated): gnomAD 0.00002; TOPMed 0.00003; ExAC 0.00006; gnomAD exomes 0.00003.
gnomAD v4.1: 53 of 1,613,682 alleles (0.0033%); highest among the groups gnomAD compares: South Asian, 0.019%; 1 homozygote.

Submissions (3):

Labcorp Genetics (formerly Invitae), Labcorp
Classification: Uncertain significance for RASopathy. Last evaluated: 2025-10-16. Review status: criteria provided, single submitter. Criteria: Invitae Variant Classification Sherloc (09022015). Collection method: clinical testing. Allele origin: germline.
Comment: This sequence change replaces valine, which is neutral and non-polar, with isoleucine, which is neutral and non-polar, at codon 393 of the MAP2K1 protein (p.Val393Ile). This variant is present in population databases (rs200442489, gnomAD 0.02%). This variant has not been reported in the literature in individuals affected with MAP2K1-related conditions. ClinVar contains an entry for this variant (Variation ID: 1214837). Invitae Evidence Modeling of protein sequence and biophysical properties (such as structural, functional, and spatial information, amino acid conservation, physicochemical variation, residue mobility, and thermodynamic stability) indicates that this missense variant is not expected to disrupt MAP2K1 protein function with a negative predictive value of 95%. In summary, the available evidence is currently insufficient to determine the role of this variant in disease. Therefore, it has been classified as a Variant of Uncertain Significance.

Fulgent Genetics
Classification: Uncertain significance for Melorheostosis; Cardiofaciocutaneous syndrome 3. Last evaluated: 2024-06-25. Review status: criteria provided, single submitter. Criteria: ACMG Guidelines, 2015. Collection method: clinical testing. Allele origin: germline.

GeneDx
Classification: Likely benign. Last evaluated: 2020-10-19. Review status: criteria provided, single submitter. Criteria: GeneDx Variant Classification Process June 2021. Collection method: clinical testing. Allele origin: germline. Affected: yes.